The following is an entry in ClinVar:

ClinVar aggregate classification (germline): Benign/Likely benign. Review status: criteria provided, multiple submitters, no conflicts (2 of 4 stars). 4 submissions from 4 submitters: Benign (1); Likely benign (3). Last evaluated 2025-08-08.

Conditions:
Charcot-Marie-Tooth disease, type I (CMT1). Also called: Charcot-Marie-Tooth disease type 1; Charcot-Marie-Tooth, Type 1. Identifiers: Orphanet 65753, MedGen C0751036, MONDO:0019011.
Inborn genetic diseases. Identifiers: MedGen C0950123, MeSH D030342.

Allele frequency attached by ClinVar (database versions not stated): gnomAD exomes 0.00001 and 0.00003; ExAC 0.00008; ESP Exome Variant Server 0.00015; gnomAD 0.00019; TOPMed 0.00020; 1000 Genomes Project 30x 0.00031; 1000 Genomes Project 0.00040.
gnomAD v4.1: 46 of 1,585,776 alleles (0.0029%); highest among the groups gnomAD compares: African/African-American, 0.062%; no homozygotes.

Submissions (4):

Labcorp Genetics (formerly Invitae), Labcorp
Classification: Likely benign for Charcot-Marie-Tooth disease, type I. Last evaluated: 2025-08-08. Review status: criteria provided, single submitter. Criteria: Invitae Variant Classification Sherloc (09022015). Collection method: clinical testing. Allele origin: germline.

Ambry Genetics
Classification: Likely benign for Inborn genetic diseases. Last evaluated: 2019-07-11. Review status: criteria provided, single submitter. Criteria: Ambry Variant Classification Scheme 2023. Collection method: clinical testing. Allele origin: germline.

Athena Diagnostics
Classification: Benign. Last evaluated: 2017-09-30. Review status: criteria provided, single submitter. Criteria: Athena Diagnostics Criteria. Collection method: clinical testing. Allele origin: germline.

GeneDx
Classification: Likely benign. Last evaluated: 2017-08-14. Review status: criteria provided, single submitter. Criteria: GeneDx Variant Classification (06012015). Collection method: clinical testing. Allele origin: germline. Affected: yes.
Comment: This variant is considered likely benign or benign based on one or more of the following criteria: it is a conservative change, it occurs at a poorly conserved position in the protein, it is predicted to be benign by multiple in silico algorithms, and/or has population frequency not consistent with disease.

NM_000530.8(MPZ):c.51G>A (p.Leu17=)

Gene: MPZ (myelin protein zero; minus strand). Cytogenetic location: 1q23.3.
Variant type: single nucleotide variant.
Coding change: c.51G>A on transcript NM_000530.8 (MANE Select); coding-DNA position 51, G replaced by A.
Protein change: p.Leu17=; no amino-acid change (leucine 17 retained).
Molecular consequence: synonymous variant.
Genome position (GRCh38, 1-based): chr1:161,309,855, C>T on the plus strand (G>A on the coding strand, the complement: MPZ is on the minus strand). VCF-style: chr1-161309855-C-T. GRCh37 (hg19) VCF-style: chr1-161279645-C-T.
Other names: c.51G>A, p.Leu17= (NM_001315491.2); c.51G>A (LRG_256t1).
Identifiers: ClinVar variation 511451 (VCV000511451.13), dbSNP rs149637045, ClinGen allele CA1210251.